The following is an entry in ClinVar:

NM_031407.7(HUWE1):c.6995G>A (p.Gly2332Glu)

Gene: HUWE1 (HECT, UBA and WWE domain containing E3 ubiquitin protein ligase 1; minus strand). Cytogenetic location: Xp11.22.
Variant type: single nucleotide variant.
Coding change: c.6995G>A on transcript NM_031407.7 (MANE Select); coding-DNA position 6995, G replaced by A.
Protein change: p.Gly2332Glu; replaces glycine 2332 with glutamic acid.
Molecular consequence: missense variant.
Genome position (GRCh38, 1-based): chrX:53,564,608, C>T on the plus strand (G>A on the coding strand, the complement: HUWE1 is on the minus strand). VCF-style: chrX-53564608-C-T. GRCh37 (hg19) VCF-style: chrX-53591569-C-T.
Other names: short protein forms G2332E.
Identifiers: ClinVar variation 3372883 (VCV003372883.1).

ClinVar aggregate classification (germline): Uncertain significance (1 of 4 stars; one submission).

Submission:

GeneDx
Classification: Uncertain significance. Last evaluated: 2024-04-23. Review status: criteria provided, single submitter. Criteria: GeneDx Variant Classification Process June 2021. Collection method: clinical testing. Allele origin: germline. Affected: yes.
Comment: Not observed at significant frequency in large population cohorts (gnomAD); In silico analysis indicates that this missense variant does not alter protein structure/function; Has not been previously published as pathogenic or benign to our knowledge